The following is an entry in ClinVar:

ClinVar aggregate classification (germline): Uncertain significance (1 of 4 stars; one submission).

Submission:

Labcorp Genetics (formerly Invitae), Labcorp
Classification: Uncertain significance. Last evaluated: 2020-09-10. Review status: criteria provided, single submitter. Criteria: Invitae Variant Classification Sherloc (09022015). Collection method: clinical testing. Allele origin: germline.
Comment: In summary, the available evidence is currently insufficient to determine the role of this variant in disease. Therefore, it has been classified as a Variant of Uncertain Significance. Algorithms developed to predict the effect of missense changes on protein structure and function (SIFT, PolyPhen-2, Align-GVGD) all suggest that this variant is likely to be disruptive, but these predictions have not been confirmed by published functional studies and their clinical significance is uncertain. This variant has not been reported in the literature in individuals with MTOR-related conditions. This variant is not present in population databases (ExAC no frequency). This sequence change replaces aspartic acid with tyrosine at codon 670 of the MTOR protein (p.Asp670Tyr). The aspartic acid residue is highly conserved and there is a large physicochemical difference between aspartic acid and tyrosine.

NM_004958.4(MTOR):c.2008G>T (p.Asp670Tyr)

Gene: MTOR (mechanistic target of rapamycin kinase; minus strand). Cytogenetic location: 1p36.22.
Variant type: single nucleotide variant.
Coding change: c.2008G>T on transcript NM_004958.4 (MANE Select); coding-DNA position 2008, G replaced by T.
Protein change: p.Asp670Tyr; replaces aspartic acid 670 with tyrosine.
Molecular consequence: missense variant.
Genome position (GRCh38, 1-based): chr1:11,238,043, C>A on the plus strand (G>T on the coding strand, the complement: MTOR is on the minus strand). VCF-style: chr1-11238043-C-A. GRCh37 (hg19) VCF-style: chr1-11298100-C-A.
Other names: c.2008G>T, p.Asp670Tyr (NM_001386500.1); c.760G>T, p.Asp254Tyr (NM_001386501.1); short protein forms D254Y, D670Y.
Identifiers: ClinVar variation 1059633 (VCV001059633.9), dbSNP rs2100899257, ClinGen allele CA338388385.